The following is an entry in ClinVar:

NM_019108.4(SMG9):c.441C>A (p.Tyr147Ter)

Gene: SMG9 (SMG9 nonsense mediated mRNA decay factor; minus strand). Cytogenetic location: 19q13.31.
Variant type: single nucleotide variant.
Coding change: c.441C>A on transcript NM_019108.4 (MANE Select); coding-DNA position 441, C replaced by A.
Protein change: p.Tyr147Ter; replaces tyrosine 147 with a stop codon.
Molecular consequence: nonsense.
Genome position (GRCh38, 1-based): chr19:43,747,682, G>T on the plus strand (C>A on the coding strand, the complement: SMG9 is on the minus strand). VCF-style: chr19-43747682-G-T. GRCh37 (hg19) VCF-style: chr19-44251834-G-T.
Other names: short protein forms Y147*.
Identifiers: ClinVar variation 3767626 (VCV003767626.2).

ClinVar aggregate classification (germline): Likely pathogenic (1 of 4 stars; one submission).

Submission:

GeneDx
Classification: Likely pathogenic. Last evaluated: 2025-10-16. Review status: criteria provided, single submitter. Criteria: GeneDx Variant Classification Process June 2021. Collection method: clinical testing. Allele origin: germline.
Comment: Nonsense variant predicted to result in protein truncation or nonsense mediated decay in a gene for which loss of function is a known mechanism of disease; Not observed at significant frequency in large population cohorts (gnomAD); Has not been previously published as pathogenic or benign to our knowledge